The following is an entry in ClinVar:

ClinVar aggregate classification (germline): Uncertain significance (1 of 4 stars; one submission).

Conditions:
Inborn genetic diseases. Identifiers: MedGen C0950123, MeSH D030342.

Submission:

Ambry Genetics
Classification: Uncertain significance for Inborn genetic diseases. Last evaluated: 2026-07-13. Review status: criteria provided, single submitter. Criteria: Ambry Variant Classification Scheme 2023. Collection method: clinical testing. Allele origin: germline.
Comment: The p.R391C variant (also known as c.1171C>T), located in coding exon 6 of the LTBP3 gene, results from a C to T substitution at nucleotide position 1171. The arginine at codon 391 is replaced by cysteine, an amino acid with highly dissimilar properties. This amino acid position is conserved. In addition, the in silico prediction for this alteration is inconclusive. Based on the available evidence, the clinical significance of this variant remains unclear.

NM_001130144.3(LTBP3):c.1171C>T (p.Arg391Cys)

Gene: LTBP3 (latent transforming growth factor beta binding protein 3; minus strand). Cytogenetic location: 11q13.1.
Variant type: single nucleotide variant.
Coding change: c.1171C>T on transcript NM_001130144.3 (MANE Select); coding-DNA position 1171, C replaced by T.
Protein change: p.Arg391Cys; replaces arginine 391 with cysteine.
Molecular consequence: missense variant.
Genome position (GRCh38, 1-based): chr11:65,552,875, G>A on the plus strand (C>T on the coding strand, the complement: LTBP3 is on the minus strand). VCF-style: chr11-65552875-G-A. GRCh37 (hg19) VCF-style: chr11-65320346-G-A.
Other names: c.820C>T, p.Arg274Cys (NM_001164266.1); c.1171C>T, p.Arg391Cys (NM_021070.4); short protein forms R391C, R274C.
Identifiers: ClinVar variation 5023705 (VCV005023705.1).